The following is an entry in ClinVar:

NM_001257096.2(PAX1):c.1102T>C (p.Cys368Arg)

Gene: PAX1 (paired box 1; plus strand). Cytogenetic location: 20p11.22.
Variant type: single nucleotide variant.
Coding change: c.1102T>C on transcript NM_001257096.2 (MANE Select); coding-DNA position 1102, T replaced by C.
Protein change: p.Cys368Arg; replaces cysteine 368 with arginine.
Molecular consequence: missense variant.
Genome position (GRCh38, 1-based): chr20:21,709,264, T>C. VCF-style: chr20-21709264-T-C. GRCh37 (hg19) VCF-style: chr20-21689902-T-C.
Other names: c.1102T>C (NM_006192.3); c.1102T>C, p.Cys368Arg (NM_006192.5); short protein forms C368R.
Identifiers: ClinVar variation 1439342 (VCV001439342.9), dbSNP rs376374051, ClinGen allele CA9786682.

ClinVar aggregate classification (germline): Uncertain significance. Review status: criteria provided, multiple submitters, no conflicts (2 of 4 stars). 3 submissions from 3 submitters: Uncertain significance (3). Last evaluated 2026-07-23.

Conditions:
Inborn genetic diseases. Identifiers: MedGen C0950123, MeSH D030342.

Allele frequency attached by ClinVar (database versions not stated): ExAC 0.00004; gnomAD 0.00016 and 0.00017; gnomAD exomes 0.00004; ESP Exome Variant Server 0.00008.
gnomAD v4.1: 50 of 1,606,344 alleles (0.0031%); highest among the groups gnomAD compares: African/African-American, 0.055%; no homozygotes.

Submissions (3):

Ambry Genetics
Classification: Uncertain significance for Inborn genetic diseases. Last evaluated: 2026-07-23. Review status: criteria provided, single submitter. Criteria: Ambry Variant Classification Scheme 2023. Collection method: clinical testing. Allele origin: germline.
Comment: The c.1102T>C (p.C368R) alteration is located in exon 4 (coding exon 4) of the PAX1 gene. This alteration results from a T to C substitution at nucleotide position 1102, causing the cysteine (C) at amino acid position 368 to be replaced by an arginine (R). Based on data from gnomAD, the C allele has an overall frequency of 0.005% (14/271854) total alleles studied. The highest observed frequency was 0.05% (12/24260) of African alleles. Based on insufficient or conflicting evidence, the clinical significance of this alteration remains unclear.

Labcorp Genetics (formerly Invitae), Labcorp
Classification: Uncertain significance. Last evaluated: 2025-12-03. Review status: criteria provided, single submitter. Criteria: Invitae Variant Classification Sherloc (09022015). Collection method: clinical testing. Allele origin: germline.
Comment: This sequence change replaces cysteine, which is neutral and slightly polar, with arginine, which is basic and polar, at codon 368 of the PAX1 protein (p.Cys368Arg). This variant is present in population databases (rs376374051, gnomAD 0.05%). This variant has not been reported in the literature in individuals affected with PAX1-related conditions. ClinVar contains an entry for this variant (Variation ID: 1439342). Invitae Evidence Modeling of protein sequence and biophysical properties (such as structural, functional, and spatial information, amino acid conservation, physicochemical variation, residue mobility, and thermodynamic stability) indicates that this missense variant is not expected to disrupt PAX1 protein function with a negative predictive value of 80%. In summary, the available evidence is currently insufficient to determine the role of this variant in disease. Therefore, it has been classified as a Variant of Uncertain Significance.

Blueprint Genetics
Classification: Uncertain significance. Last evaluated: 2022-10-05. Review status: criteria provided, single submitter. Criteria: ACMG Guidelines, 2015. Collection method: clinical testing. Allele origin: germline.